The following is an entry in ClinVar:

ClinVar aggregate classification (germline): Uncertain significance (1 of 4 stars; one submission).

Conditions:
Inborn genetic diseases. Identifiers: MedGen C0950123, MeSH D030342.

Submission:

Ambry Genetics
Classification: Uncertain significance for Inborn genetic diseases. Last evaluated: 2022-02-03. Review status: criteria provided, single submitter. Criteria: Ambry Variant Classification Scheme 2023. Collection method: clinical testing. Allele origin: germline.
Comment: The p.L1907F variant (also known as c.5721A>C), located in coding exon 33 of the ATR gene, results from an A to C substitution at nucleotide position 5721. The leucine at codon 1907 is replaced by phenylalanine, an amino acid with highly similar properties. This amino acid position is conserved. In addition, the in silico prediction for this alteration is inconclusive. Since supporting evidence is limited at this time, the clinical significance of this alteration remains unclear.

NM_001184.4(ATR):c.5721A>C (p.Leu1907Phe)

Gene: ATR (ATR checkpoint kinase; minus strand). Cytogenetic location: 3q23.
Variant type: single nucleotide variant.
Coding change: c.5721A>C on transcript NM_001184.4 (MANE Select); coding-DNA position 5721, A replaced by C.
Protein change: p.Leu1907Phe; replaces leucine 1907 with phenylalanine.
Molecular consequence: missense variant.
Genome position (GRCh38, 1-based): chr3:142,497,030, T>G on the plus strand (A>C on the coding strand, the complement: ATR is on the minus strand). VCF-style: chr3-142497030-T-G. GRCh37 (hg19) VCF-style: chr3-142215872-T-G.
Other names: c.5529A>C, p.Leu1843Phe (NM_001354579.2); short protein forms L1907F, L1843F.
Identifiers: ClinVar variation 1749287 (VCV001749287.2), dbSNP rs1204281931, ClinGen allele CA354814394.